The following is an entry in ClinVar:

NM_005359.6(SMAD4):c.404G>A (p.Arg135Gln)

Gene: SMAD4 (SMAD family member 4; plus strand). Cytogenetic location: 18q21.2.
Variant type: single nucleotide variant.
Coding change: c.404G>A on transcript NM_005359.6 (MANE Select); coding-DNA position 404, G replaced by A.
Protein change: p.Arg135Gln; replaces arginine 135 with glutamine.
Molecular consequence: missense variant. On other transcripts: non-coding transcript variant (2).
Genome position (GRCh38, 1-based): chr18:51,048,840, G>A. VCF-style: chr18-51048840-G-A. GRCh37 (hg19) VCF-style: chr18-48575210-G-A.
Other names: c.404G>A, p.Arg135Gln (NM_001407041.1, NM_001407042.1, NM_001407043.1); short protein forms R135Q.
Identifiers: ClinVar variation 4070898 (VCV004070898.1).

ClinVar aggregate classification (germline): Uncertain significance (1 of 4 stars; one submission).

Submission:

GeneDx
Classification: Uncertain significance. Last evaluated: 2025-01-21. Review status: criteria provided, single submitter. Criteria: GeneDx Variant Classification Process June 2021. Collection method: clinical testing. Allele origin: germline. Affected: yes.
Comment: Not observed at significant frequency in large population cohorts (gnomAD); In silico analysis supports that this missense variant has a deleterious effect on protein structure/function; Has not been previously published as pathogenic or benign to our knowledge; This variant is associated with the following publications: (PMID: 15235019, 18823382, 22992590)